The following is an entry in ClinVar:

NM_020738.4(KIDINS220):c.4751C>G (p.Ser1584Trp)

Gene: KIDINS220 (kinase D interacting substrate 220; minus strand). Cytogenetic location: 2p25.1.
Variant type: single nucleotide variant.
Coding change: c.4751C>G on transcript NM_020738.4 (MANE Select); coding-DNA position 4751, C replaced by G.
Protein change: p.Ser1584Trp; replaces serine 1584 with tryptophan.
Molecular consequence: missense variant. On other transcripts: intron variant (6).
Genome position (GRCh38, 1-based): chr2:8,731,285, G>C on the plus strand (C>G on the coding strand, the complement: KIDINS220 is on the minus strand). VCF-style: chr2-8731285-G-C. GRCh37 (hg19) VCF-style: chr2-8871415-G-C.
Other names: c.4754C>G, p.Ser1585Trp (NM_001348729.2); c.4697C>G, p.Ser1566Trp (NM_001348731.2); c.4694C>G, p.Ser1565Trp (NM_001348732.2); c.4583C>G, p.Ser1528Trp (NM_001348734.2); c.4580C>G, p.Ser1527Trp (NM_001348735.2); c.4454C>G, p.Ser1485Trp (NM_001348736.2); c.3882+2159C>G (NM_001348741.2, NM_001348742.2, NM_001348743.2); c.3996+2159C>G (NM_001348738.2); and 1 more; short protein forms S1585W, S1566W, S1584W, S1485W, S1527W, S1528W, S1565W.
Identifiers: ClinVar variation 4994811 (VCV004994811.1).

ClinVar aggregate classification (germline): Uncertain significance (1 of 4 stars; one submission).

Conditions:
KIDINS220-related disorder. Also called: KIDINS220-related condition.

Submission:

PreventionGenetics, part of Exact Sciences
Classification: Uncertain significance for KIDINS220-related condition. Last evaluated: 2026-04-05. Review status: criteria provided, single submitter. Criteria: ACMG Guidelines, 2015. Collection method: clinical testing. Allele origin: germline.
Comment: The KIDINS220 c.4751C>G variant is predicted to result in the amino acid substitution p.Ser1584Trp. To our knowledge, this variant has not been reported in the literature or in a large population database (gnomAD), indicating this variant is rare. At this time, the clinical significance of this variant is uncertain due to the absence of conclusive functional and genetic evidence.